The following is an entry in ClinVar:

NM_134261.3(RORA):c.907T>C (p.Phe303Leu)

Genes: RORA (RAR related orphan receptor A; minus strand), RORA-AS1 (RORA antisense RNA 1; plus strand). Cytogenetic location: 15q22.2.
Variant type: single nucleotide variant.
Coding change: c.907T>C on transcript NM_134261.3 (MANE Select); coding-DNA position 907, T replaced by C.
Protein change: p.Phe303Leu; replaces phenylalanine 303 with leucine.
Molecular consequence: missense variant.
Genome position (GRCh38, 1-based): chr15:60,505,543, A>G on the plus strand (T>C on the coding strand, the complement: RORA is on the minus strand). VCF-style: chr15-60505543-A-G. GRCh37 (hg19) VCF-style: chr15-60797742-A-G.
Other names: c.982T>C, p.Phe328Leu (NM_002943.4); c.1006T>C, p.Phe336Leu (NM_134260.3); c.742T>C, p.Phe248Leu (NM_134262.3); short protein forms F248L, F303L, F328L, F336L.
Identifiers: ClinVar variation 4887665 (VCV004887665.1).

ClinVar aggregate classification (germline): Uncertain significance (1 of 4 stars; one submission).

Submission:

Women's Health and Genetics/Laboratory Corporation of America, LabCorp
Classification: Uncertain significance. Last evaluated: 2026-06-26. Review status: criteria provided, single submitter. Criteria: LabCorp Variant Classification Summary - May 2015. Collection method: clinical testing. Allele origin: germline.
Comment: Variant summary: RORA c.907T>C (p.Phe303Leu) results in a non-conservative amino acid change in the encoded protein sequence. Algorithms developed to predict the effect of missense changes on protein structure and function all suggest that this variant is likely to be disruptive. The variant was absent in 251422 control chromosomes. The available data on variant occurrences in the general population are insufficient to allow any conclusion about variant significance. To our knowledge, no occurrence of c.907T>C in individuals affected with RORA-related conditions and no experimental evidence demonstrating its impact on protein function have been reported. No submitters have cited clinical-significance assessments for this variant to ClinVar. Based on the evidence outlined above, the variant was classified as uncertain significance.